The following is an entry in ClinVar:

NM_000166.6(GJB1):c.569_571dup (p.Phe190_Thr191insIle)

Gene: GJB1 (gap junction protein beta 1; plus strand). Cytogenetic location: Xq13.1.
Variant type: Duplication.
Coding change: c.569_571dup on transcript NM_000166.6 (MANE Select); coding-DNA positions 569 to 571, 3 bases duplicated (TCA; older notation c.569_571dupTCA).
Protein change: p.Phe190_Thr191insIle.
Molecular consequence: inframe insertion.
Genome position (GRCh38, 1-based): chrX:71,224,276-71,224,278, TCA duplicated. VCF-style (leftmost placement, unchanged base first): chrX-71224275-T-TTCA. GRCh37 (hg19) VCF-style: chrX-70444125-T-TTCA.
Other names: c.569_571dupTCA (NM_000166.5); c.569_571dup, p.Phe190_Thr191insIle (NM_001097642.3).
Identifiers: ClinVar variation 570711 (VCV000570711.10), dbSNP rs1569215404, ClinGen allele CA891844222.

ClinVar aggregate classification (germline): Uncertain significance (1 of 4 stars; one submission).

Conditions:
Charcot-Marie-Tooth Neuropathy X. Identifiers: MedGen CN118851.

Submission:

Labcorp Genetics (formerly Invitae), Labcorp
Classification: Uncertain significance for Charcot-Marie-Tooth Neuropathy X. Last evaluated: 2025-01-14. Review status: criteria provided, single submitter. Criteria: Invitae Variant Classification Sherloc (09022015). Collection method: clinical testing. Allele origin: germline.
Comment: This variant, c.569_571dup, results in the insertion of 1 amino acid(s) of the GJB1 protein (p.Phe190_Thr191insIle), but otherwise preserves the integrity of the reading frame. This variant is not present in population databases (gnomAD no frequency). This variant has been observed in individuals with clinical features of GJB1-related conditions (PMID: 32376792; internal data). ClinVar contains an entry for this variant (Variation ID: 570711). Experimental studies and prediction algorithms are not available or were not evaluated, and the functional significance of this variant is currently unknown. In summary, the available evidence is currently insufficient to determine the role of this variant in disease. Therefore, it has been classified as a Variant of Uncertain Significance.

Literature cited by the submitters: PubMed 32376792.